The following is an entry in ClinVar:

NM_001211.6(BUB1B):c.1851T>G (p.Phe617Leu)

Gene: BUB1B (BUB1 mitotic checkpoint serine/threonine kinase B; plus strand). Cytogenetic location: 15q15.1.
Variant type: single nucleotide variant.
Coding change: c.1851T>G on transcript NM_001211.6 (MANE Select); coding-DNA position 1851, T replaced by G.
Protein change: p.Phe617Leu; replaces phenylalanine 617 with leucine.
Molecular consequence: missense variant.
Genome position (GRCh38, 1-based): chr15:40,206,300, T>G. VCF-style: chr15-40206300-T-G. GRCh37 (hg19) VCF-style: chr15-40498501-T-G.
Other names: short protein forms F617L.
Identifiers: ClinVar variation 3483202 (VCV003483202.1).

ClinVar aggregate classification (germline): Uncertain significance (1 of 4 stars; one submission).

Conditions:
Inborn genetic diseases. Identifiers: MedGen C0950123, MeSH D030342.

Submission:

Ambry Genetics
Classification: Uncertain significance for Inborn genetic diseases. Last evaluated: 2024-09-22. Review status: criteria provided, single submitter. Criteria: Ambry Variant Classification Scheme 2023. Collection method: clinical testing. Allele origin: germline.
Comment: The p.F617L variant (also known as c.1851T>G), located in coding exon 15 of the BUB1B gene, results from a T to G substitution at nucleotide position 1851. The phenylalanine at codon 617 is replaced by leucine, an amino acid with highly similar properties. This amino acid position is conserved. In addition, this alteration is predicted to be tolerated by in silico analysis. Based on the available evidence, the clinical significance of this variant remains unclear.